The following continues an entry in ClinVar:

NM_025137.4(SPG11):c.5381T>C (p.Leu1794Pro)

Gene: SPG11. ClinVar aggregate classification (germline): Pathogenic/Likely pathogenic. Pathogenic (12); Likely pathogenic (7).

Submissions 11 to 23 of 23:

Molecular Genetics, Royal Melbourne Hospital
Classification: Pathogenic for Hereditary spastic paraplegia 11. Last evaluated: 2023-05-05. Review status: criteria provided, single submitter. Criteria: ACMG Guidelines, 2015. Collection method: clinical testing. Allele origin: germline. Affected: yes.
Comment: This sequence change in SPG11 is predicted to replace leucine with proline at codon 1794, p.(Leu1794Pro). The leucine residue is highly conserved (100 vertebrates, UCSC), and is not located in an annotated functional domain. There is a moderate physicochemical difference between leucine and proline. The highest population minor allele frequency in the population database gnomAD v2.1 is 0.01% (15/128,650 alleles) in the European (non-Finnish) population, which is consistent with a recessive disease. The variant has been identified in a homozygous state and compound heterozygous with a second pathogenic allele in multiple cases diagnosed with complicated/pure hereditary spastic paraplegia (HSP) and segregates with the condition in at least one family (PMID: 26374131, 31407473, 35254204, 36139378). Computational evidence predicts a deleterious effect for the missense substitution (REVEL = 0.897). Based on the classification scheme RMH Modified ACMG/AMP Guidelines v1.6.1, this variant is classified as PATHOGENIC. Following criteria are met: PM3_VeryStrong, PM2_Supporting, PP1, PP3.

Ambry Genetics
Classification: Pathogenic for Inborn genetic diseases. Last evaluated: 2023-01-09. Review status: criteria provided, single submitter. Criteria: Ambry Variant Classification Scheme 2023. Collection method: clinical testing. Allele origin: germline.
Comment: The c.5381T>C (p.L1794P) alteration is located in exon 30 (coding exon 30) of the SPG11 gene. This alteration results from a T to C substitution at nucleotide position 5381, causing the leucine (L) at amino acid position 1794 to be replaced by a proline (P). Based on data from gnomAD, the C allele has an overall frequency of 0.006% (16/281906) total alleles studied. The highest observed frequency was 0.012% (15/128650) of European (non-Finnish) alleles. This mutation has been reported in the homozygous and compound heterozygous state in individuals with spastic paraplegia (Lynch, 2015; Krenn, 2020; Doleckova, 2022; Peri, 2022). It was also identified in the homozygous state in an individual with childhood-onset dystonia (Zech, 2020) and in the heterozygous state in an individual with amyotrophic lateral sclerosis with no second SPG11 variant (Kr&uuml;ger, 2016). This alteration is predicted to be deleterious by in silico analysis. Based on the available evidence, this alteration is classified as pathogenic.

Institute of Medical Genetics and Applied Genomics, University Hospital Tübingen
Classification: Pathogenic. Last evaluated: 2020-10-23. Review status: criteria provided, single submitter. Criteria: ACMG Guidelines, 2015. Collection method: clinical testing. Allele origin: germline. Inheritance: Unknown mechanism. Affected: yes.

Athena Diagnostics
Classification: Likely pathogenic. Last evaluated: 2020-10-19. Review status: criteria provided, single submitter. Criteria: Athena Diagnostics criteria. Collection method: clinical testing. Allele origin: unknown.
Comment: The frequency of this variant in the general population is consistent with pathogenicity. In multiple individuals, this variant has been seen with a single recessive pathogenic variant in the same gene, suggesting this variant may also be pathogenic. Computational tools predict that this variant is damaging.

Genetic Services Laboratory, University of Chicago
Classification: Likely pathogenic. Last evaluated: 2019-03-26. Review status: criteria provided, single submitter. Criteria: ACMG Guidelines, 2015. Collection method: clinical testing. Allele origin: germline. Affected: yes.
Comment: DNA sequence analysis of the SPG11 gene demonstrated a c.5381T>C in exon 30, results in an amino acid change, p.Leu1794Pro. The p.Leu1794Pro change affects a highly conserved amino acid residue located in a domain of the SPG11 protein that is not known to be functional. The p.Leu1794Pro substitution appears to be deleterious using several in-silico pathogenicity prediction tools (SIFT, PolyPhen2, Align GVGD, REVEL). This particular amino acid change has been reported in the compound heterozygous state with a truncating variant in three unrelated families with spastic paraplegia (Lynch et al., 2016). This sequence change has been described in the gnomAD database with a global population frequency of 0.0057% (dbSNP rs201689565).

Institute of Human Genetics Munich, TUM University Hospital
Classification: Pathogenic for Hereditary spastic paraplegia 11. Last evaluated: 2018-07-10. Review status: criteria provided, single submitter. Criteria: Classification criteria August 2017. Collection method: clinical testing. Allele origin: germline. Inheritance: Autosomal recessive inheritance. Affected: yes. Observed: 1 homozygote.

Genome Diagnostics Laboratory, The Hospital for Sick Children
Classification: Likely pathogenic for Hereditary spastic paraplegia. Last evaluated: 2018-05-01. Review status: criteria provided, single submitter. Criteria: ACMG Guidelines, 2015. Collection method: clinical testing. Allele origin: germline. Affected: yes.

Centre for Mendelian Genomics, University Medical Centre Ljubljana
Classification: Likely pathogenic for Gait disturbance; Generalized hyperreflexia; Spastic paraparesis. Last evaluated: 2015-05-05. Review status: criteria provided, single submitter. Criteria: ACMG Guidelines, 2015. Collection method: clinical testing. Allele origin: unknown. Affected: yes.

Paris Brain Institute, Inserm - ICM
Classification: Pathogenic for Hereditary spastic paraplegia 11. Review status: criteria provided, single submitter. Criteria: ACMG Guidelines, 2015. Collection method: clinical testing. Allele origin: unknown. Affected: yes. Observed: 1 variant allele.

Clinical Genetics Laboratory, University Hospital Schleswig-Holstein
Classification: Pathogenic for Hereditary spastic paraplegia 11. Last evaluated: 2024-01-30. Review status: no assertion criteria provided. Collection method: clinical testing. Allele origin: paternal. Affected: yes. Not counted in ClinVar's aggregate classification.

Solve-RD Consortium
Classification: Likely pathogenic for Charcot-Marie-Tooth disease axonal type 2X. Last evaluated: 2022-06-01. Review status: no assertion criteria provided. Collection method: provider interpretation. Allele origin: inherited. Affected: yes. Not counted in ClinVar's aggregate classification.
Comment: Variant confirmed as disease-causing by referring clinical team

Variant identified during reanalysis of unsolved cases by the Solve-RD project. The Solve-RD project has received funding from the European Union’s Horizon 2020 research and innovation programme under grant agreement No 779257.

UM ALS/MND Lab, University Of Malta
Classification: Uncertain significance for Amyotrophic lateral sclerosis. Review status: no assertion criteria provided. Collection method: research. Allele origin: unknown. Inheritance: Sporadic. Affected: yes. Observed: 1 heterozygote. Not counted in ClinVar's aggregate classification.

Centre for Mendelian Genomics, University Medical Centre Ljubljana
Classification: Uncertain significance for Hereditary spastic paraplegia 11. Last evaluated: 2020-03-10. Review status: flagged submission. Criteria: ACMG Guidelines, 2015. Collection method: clinical testing. Allele origin: unknown. Affected: yes. Not counted in ClinVar's aggregate classification.
Comment: This variant was classified as: Uncertain significance. The available evidence favors the pathogenic nature of this variant, however the currently available data is insufficient to conclusively support its pathogenic nature. Thus this variant is classified as Uncertain significance - favor pathogenic. The following ACMG criteria were applied in classifying this variant: PP3,PP5.
ClinVar note: Reason: Older and outlier claim with insufficient supporting evidence

Literature cited by the submitters: PubMed 26374131 (cited by 6 submitters); PubMed 31407473 (cited by 5 submitters); PubMed 36139378 (cited by 3 submitters); PubMed 33098801 (cited by Women's Health and Genetics/Laboratory Corporation of America, LabCorp and Ambry Genetics); PubMed 35254204 (cited by Molecular Genetics, Royal Melbourne Hospital and Ambry Genetics); PubMed 27790088 (cited by Ambry Genetics and Athena Diagnostics); PubMed 39825153 (cited by Solve-RD Consortium).